The following is an entry in ClinVar:

ClinVar aggregate classification (germline): Uncertain significance. Review status: criteria provided, multiple submitters, no conflicts (2 of 4 stars). 3 submissions from 3 submitters: Uncertain significance (3). Last evaluated 2025-01-21.

Conditions:
Inborn genetic diseases. Identifiers: MedGen C0950123, MeSH D030342.
Hepatic methionine adenosyltransferase deficiency. Also called: Isolated Persistent Hypermethioninemia; Deficiency of methionine adenosyltransferase; MAT I/III DEFICIENCY; Methionine adenosyltransferase deficiency. Identifiers: Orphanet 168598, MedGen C0268621, MeSH C564683, MONDO:0009607, OMIM 250850.
MAT1A-related disorder. Also called: MAT1A-related condition.

Allele frequency attached by ClinVar (database versions not stated): gnomAD exomes below 0.00001.
gnomAD v4.1: 1 of 1,614,058 alleles (0.000062%); highest among the groups gnomAD compares: Non-Finnish European, 0.000085%; no homozygotes.

Submissions (3):

Ambry Genetics
Classification: Uncertain significance for Inborn genetic diseases. Last evaluated: 2025-01-21. Review status: criteria provided, single submitter. Criteria: Ambry Variant Classification Scheme 2023. Collection method: clinical testing. Allele origin: germline.

Labcorp Genetics (formerly Invitae), Labcorp
Classification: Uncertain significance for Hepatic methionine adenosyltransferase deficiency. Last evaluated: 2024-04-25. Review status: criteria provided, single submitter. Criteria: Invitae Variant Classification Sherloc (09022015). Collection method: clinical testing. Allele origin: germline.
Comment: This sequence change replaces proline, which is neutral and non-polar, with leucine, which is neutral and non-polar, at codon 151 of the MAT1A protein (p.Pro151Leu). This variant is not present in population databases (gnomAD no frequency). This missense change has been observed in individual(s) with a positive newborn screening result for MAT1A-related disease (Invitae). ClinVar contains an entry for this variant (Variation ID: 845739). Advanced modeling of protein sequence and biophysical properties (such as structural, functional, and spatial information, amino acid conservation, physicochemical variation, residue mobility, and thermodynamic stability) performed at Invitae indicates that this missense variant is expected to disrupt MAT1A protein function with a positive predictive value of 80%. In summary, the available evidence is currently insufficient to determine the role of this variant in disease. Therefore, it has been classified as a Variant of Uncertain Significance.

PreventionGenetics, part of Exact Sciences
Classification: Uncertain significance for MAT1A-related condition. Last evaluated: 2023-03-07. Review status: criteria provided, single submitter. Criteria: ACMG Guidelines, 2015. Collection method: clinical testing. Allele origin: germline.
Comment: The MAT1A c.452C>T variant is predicted to result in the amino acid substitution p.Pro151Leu. To our knowledge, this variant has not been reported in the literature or in a large population database, indicating this variant is rare. At this time, the clinical significance of this variant is uncertain due to the absence of conclusive functional and genetic evidence.

NM_000429.3(MAT1A):c.452C>T (p.Pro151Leu)

Gene: MAT1A (methionine adenosyltransferase 1A; minus strand). Cytogenetic location: 10q22.3.
Variant type: single nucleotide variant.
Coding change: c.452C>T on transcript NM_000429.3 (MANE Select); coding-DNA position 452, C replaced by T.
Protein change: p.Pro151Leu; replaces proline 151 with leucine.
Molecular consequence: missense variant.
Genome position (GRCh38, 1-based): chr10:80,280,270, G>A on the plus strand (C>T on the coding strand, the complement: MAT1A is on the minus strand). VCF-style: chr10-80280270-G-A. GRCh37 (hg19) VCF-style: chr10-82040026-G-A.
Other names: short protein forms P151L.
Identifiers: ClinVar variation 845739 (VCV000845739.10), dbSNP rs1470971533, ClinGen allele CA377362785.